The following is an entry in ClinVar:

ClinVar aggregate classification (germline): Uncertain significance (1 of 4 stars; one submission).

Submission:

Ambry Genetics
Classification: Uncertain significance. Last evaluated: 2024-07-16. Review status: criteria provided, single submitter. Criteria: Ambry Variant Classification Scheme 2023. Collection method: clinical testing. Allele origin: germline.
Comment: The p.S801P variant (also known as c.2401T>C), located in coding exon 1 of the MLH3 gene, results from a T to C substitution at nucleotide position 2401. The serine at codon 801 is replaced by proline, an amino acid with similar properties. This amino acid position is conserved. In addition, this alteration is predicted to be tolerated by in silico analysis. Based on the available evidence, the clinical significance of this variant remains unclear.

NM_001040108.2(MLH3):c.2401T>C (p.Ser801Pro)

Gene: MLH3 (mutL homolog 3; minus strand). Cytogenetic location: 14q24.3.
Variant type: single nucleotide variant.
Coding change: c.2401T>C on transcript NM_001040108.2 (MANE Select); coding-DNA position 2401, T replaced by C.
Protein change: p.Ser801Pro; replaces serine 801 with proline.
Molecular consequence: missense variant.
Genome position (GRCh38, 1-based): chr14:75,047,255, A>G on the plus strand (T>C on the coding strand, the complement: MLH3 is on the minus strand). VCF-style: chr14-75047255-A-G. GRCh37 (hg19) VCF-style: chr14-75513958-A-G.
Other names: c.2401T>C, p.Ser801Pro (NM_014381.3); short protein forms S801P.
Identifiers: ClinVar variation 3396664 (VCV003396664.1).